The following is an entry in ClinVar:

NM_015466.4(PTPN23):c.2865C>G (p.Pro955=)

Gene: PTPN23 (protein tyrosine phosphatase non-receptor type 23; plus strand). Cytogenetic location: 3p21.31.
Variant type: single nucleotide variant.
Coding change: c.2865C>G on transcript NM_015466.4 (MANE Select); coding-DNA position 2865, C replaced by G.
Protein change: p.Pro955=; no amino-acid change (proline 955 retained).
Molecular consequence: synonymous variant.
Genome position (GRCh38, 1-based): chr3:47,410,663, C>G. VCF-style: chr3-47410663-C-G. GRCh37 (hg19) VCF-style: chr3-47452153-C-G.
Other names: c.2487C>G, p.Pro829= (NM_001304482.2).
Identifiers: ClinVar variation 1554403 (VCV001554403.12), dbSNP rs1408272313, ClinGen allele CA433605330.

ClinVar aggregate classification (germline): Likely benign. Review status: criteria provided, multiple submitters, no conflicts (2 of 4 stars). 2 submissions from 2 submitters: Likely benign (2). Last evaluated 2026-01-01.

Allele frequency attached by ClinVar (database versions not stated): TOPMed below 0.00001.
gnomAD v4.1: 2 of 1,611,274 alleles (0.00012%); highest among the groups gnomAD compares: Non-Finnish European, 0.000085%; no homozygotes.

Submissions (2):

CeGaT Center for Human Genetics Tuebingen
Classification: Likely benign. Last evaluated: 2026-01-01. Review status: criteria provided, single submitter. Criteria: CeGaT Center For Human Genetics Tuebingen Variant Classification Criteria Version 2. Collection method: clinical testing. Allele origin: germline. Affected: yes. Observed: 1 variant allele.
Comment: PTPN23: BP4, BP7

Labcorp Genetics (formerly Invitae), Labcorp
Classification: Likely benign. Last evaluated: 2024-05-23. Review status: criteria provided, single submitter. Criteria: Invitae Variant Classification Sherloc (09022015). Collection method: clinical testing. Allele origin: germline.